The following is an entry in ClinVar:

ClinVar aggregate classification (germline): Pathogenic/Likely pathogenic. Review status: criteria provided, multiple submitters, no conflicts (2 of 4 stars). 2 submissions from 2 submitters: Pathogenic (1); Likely pathogenic (1). Last evaluated 2025-01-20.

Conditions:
Torsion dystonia 6 (DYT6). Also called: DYT-THAP1. Identifiers: Orphanet 98806, MedGen C1414216, MONDO:0011264, OMIM 602629.

Submissions (2):

Labcorp Genetics (formerly Invitae), Labcorp
Classification: Pathogenic for Torsion dystonia 6. Last evaluated: 2025-01-20. Review status: criteria provided, single submitter. Criteria: Invitae Variant Classification Sherloc (09022015). Collection method: clinical testing. Allele origin: germline.
Comment: This sequence change creates a premature translational stop signal (p.Lys161Serfs*19) in the THAP1 gene. While this is not anticipated to result in nonsense mediated decay, it is expected to disrupt the last 53 amino acid(s) of the THAP1 protein. This variant is not present in population databases (gnomAD no frequency). This variant has not been reported in the literature in individuals affected with THAP1-related conditions. This variant disrupts a region of the THAP1 protein in which other variant(s) (p.Arg169*) have been determined to be pathogenic (internal data). This suggests that this is a clinically significant region of the protein, and that variants that disrupt it are likely to be disease-causing. For these reasons, this variant has been classified as Pathogenic.

MGZ Medical Genetics Center
Classification: Likely pathogenic for Torsion dystonia 6. Last evaluated: 2021-12-14. Review status: criteria provided, single submitter. Criteria: ACMG Guidelines, 2015. Collection method: clinical testing. Allele origin: germline. Affected: yes. Observed: 1 variant allele.
Comment: ACMG criteria applied: PVS1_STR, PS4_SUP, PM2_SUP

NM_018105.3(THAP1):c.482_485del (p.Lys161fs)

Gene: THAP1 (THAP domain containing 1; minus strand). Cytogenetic location: 8p11.21.
Variant type: Microsatellite.
Coding change: c.482_485del on transcript NM_018105.3 (MANE Select); coding-DNA positions 482 to 485, 4 bases deleted (AGAA; older notation c.482_485delAGAA).
Protein change: p.Lys161fs; shifts the reading frame from lysine 161.
Molecular consequence: frameshift variant. On other transcripts: 3 prime UTR variant (1).
Genome position (GRCh38, 1-based): chr8:42,838,119-42,838,122, TTCT deleted on the plus strand (AGAA on the coding strand, the reverse complement: THAP1 is on the minus strand); deleting any 4 consecutive bases within chr8:42,838,119-42,838,126 gives the same sequence; the c. name uses the placement nearest the transcript's 3' end. VCF-style (leftmost placement, unchanged base first): chr8-42838118-CTTCT-C. GRCh37 (hg19) VCF-style: chr8-42693261-CTTCT-C.
Other names: c.*120AGAA[1] (NM_199003.2); short protein forms K161fs.
Identifiers: ClinVar variation 1069320 (VCV001069320.7), dbSNP rs2128918440, ClinGen allele CA2557205256.